The following is an entry in ClinVar:

ClinVar aggregate classification (germline): Uncertain significance. Review status: criteria provided, multiple submitters, no conflicts (2 of 4 stars). 3 submissions from 3 submitters: Uncertain significance (3). Last evaluated 2026-02-26.

Conditions:
Inborn genetic diseases. Identifiers: MedGen C0950123, MeSH D030342.
Amyotrophic lateral sclerosis type 6. Also called: Amyotrophic lateral sclerosis 6, with or without frontotemporal dementia; FUS-Related Amyotrophic Laterial Sclerosis; AMYOTROPHIC LATERAL SCLEROSIS 6 WITHOUT FRONTOTEMPORAL DEMENTIA. Identifiers: Orphanet 275872, Orphanet 803, MedGen C2931786, MONDO:0011951, OMIM 608030.
Tremor, hereditary essential, 4 (ETM4). Identifiers: MedGen C3539195, MONDO:0013888, OMIM 614782.

Allele frequency attached by ClinVar (database versions not stated): gnomAD exomes below 0.00001; gnomAD 0.00001; TOPMed 0.00001.
gnomAD v4.1: 6 of 1,602,498 alleles (0.00037%); highest among the groups gnomAD compares: Non-Finnish European, 0.00051%; no homozygotes.

Submissions (3):

GeneDx
Classification: Uncertain significance. Last evaluated: 2026-02-26. Review status: criteria provided, single submitter. Criteria: GeneDx Variant Classification Process June 2021. Collection method: clinical testing. Allele origin: germline.
Comment: Has not been previously published as pathogenic or benign to our knowledge; Not observed at significant frequency in large population cohorts (gnomAD); In silico analysis is inconclusive as to whether the variant alters gene splicing. In the absence of RNA/functional studies, the actual effect of this sequence change is unknown.

Labcorp Genetics (formerly Invitae), Labcorp
Classification: Uncertain significance for Tremor, hereditary essential, 4; Amyotrophic lateral sclerosis type 6. Last evaluated: 2024-07-18. Review status: criteria provided, single submitter. Criteria: Invitae Variant Classification Sherloc (09022015). Collection method: clinical testing. Allele origin: germline.
Comment: This sequence change falls in intron 8 of the FUS gene. It does not directly change the encoded amino acid sequence of the FUS protein. This variant is not present in population databases (gnomAD no frequency). This variant has not been reported in the literature in individuals affected with FUS-related conditions. ClinVar contains an entry for this variant (Variation ID: 1762973). Algorithms developed to predict the effect of sequence changes on RNA splicing suggest that this variant may create or strengthen a splice site. In summary, the available evidence is currently insufficient to determine the role of this variant in disease. Therefore, it has been classified as a Variant of Uncertain Significance.

Ambry Genetics
Classification: Uncertain significance for Inborn genetic diseases. Last evaluated: 2019-12-28. Review status: criteria provided, single submitter. Criteria: Ambry Variant Classification Scheme 2023. Collection method: clinical testing. Allele origin: germline.
Comment: The c.833-6A>G intronic variant results from an A to G substitution 6 nucleotides upstream from coding exon 9 in the FUS gene. This nucleotide position is not well conserved in available vertebrate species. Using the BDGP and ESEfinder splice site prediction tools, this alteration is not predicted to have any significant effect on this splice acceptor site; however, direct evidence is unavailable. Since supporting evidence is limited at this time, the clinical significance of this alteration remains unclear.

NM_004960.4(FUS):c.833-6A>G

Gene: FUS (FUS RNA binding protein; plus strand). Cytogenetic location: 16p11.2.
Variant type: single nucleotide variant.
Coding change: c.833-6A>G on transcript NM_004960.4 (MANE Select); 6 bases into the intron before coding-DNA position 833, A replaced by G.
Molecular consequence: intron variant.
Genome position (GRCh38, 1-based): chr16:31,189,117, A>G. VCF-style: chr16-31189117-A-G. GRCh37 (hg19) VCF-style: chr16-31200438-A-G.
Other names: c.821-6A>G (NM_001170937.1); c.830-6A>G (NM_001170634.1).
Identifiers: ClinVar variation 1762973 (VCV001762973.9), dbSNP rs942413072, ClinGen allele CA280600060.